The following is an entry in ClinVar:

ClinVar aggregate classification (germline): Benign. Review status: criteria provided, multiple submitters, no conflicts (2 of 4 stars). 2 submissions from 2 submitters: Benign (2). Last evaluated 2018-01-13.

Conditions:
Osteopetrosis. Identifiers: Orphanet 2781, MedGen C0029454, MONDO:0017198, HP:0011002.

Allele frequency attached by ClinVar (database versions not stated): ExAC 0.01016; ESP Exome Variant Server 0.01648; 1000 Genomes Project 0.02616; gnomAD 0.02283 and 0.02459; TOPMed 0.02495; 1000 Genomes Project 30x 0.02780; gnomAD exomes 0.00372.

Submissions (2):

Illumina Laboratory Services, Illumina
Classification: Benign for Osteopetrosis. Last evaluated: 2018-01-13. Review status: criteria provided, single submitter. Criteria: ICSL Variant Classification Criteria 13 December 2019. Collection method: clinical testing. Allele origin: germline.
Comment: This variant was observed in the ICSL laboratory as part of a predisposition screen in an ostensibly healthy population. It had not been previously curated by ICSL or reported in the Human Gene Mutation Database (HGMD: prior to June 1st, 2018), and was therefore a candidate for classification through an automated scoring system. Utilizing variant allele frequency, disease prevalence and penetrance estimates, and inheritance mode, an automated score was calculated to assess if this variant is too frequent to cause the disease. Based on the score and internal cut-off values, a variant classified as benign is not then subjected to further curation. The score for this variant resulted in a classification of benign for this disease.

Breakthrough Genomics
Classification: Benign. Review status: criteria provided, single submitter. Criteria: ACMG Guidelines, 2015. Collection method: not provided. Allele origin: germline. Inheritance: Autosomal recessive inheritance. Affected: yes.

NM_001287.6(CLCN7):c.-20G>C

Gene: CLCN7 (chloride voltage-gated channel 7; minus strand). Cytogenetic location: 16p13.3.
Variant type: single nucleotide variant.
Coding change: c.-20G>C on transcript NM_001287.6 (MANE Select); 20 bases upstream of the start codon, G replaced by C.
Molecular consequence: 5 prime UTR variant.
Genome position (GRCh38, 1-based): chr16:1,474,994, C>G on the plus strand (G>C on the coding strand, the complement: CLCN7 is on the minus strand). VCF-style: chr16-1474994-C-G. GRCh37 (hg19) VCF-style: chr16-1524995-C-G.
Other names: c.-20G>C (NM_001114331.3).
Identifiers: ClinVar variation 317971 (VCV000317971.6), dbSNP rs112055095, ClinGen allele CA7810960.
Genomic context (GRCh38, chr16:1,474,994, plus strand): 5'-TCCCGGCCGGACCAGGACACCTTCTTAGAGACGTTGGCCATGGCCCGCCGCGGAGCGACA[C>G]CGGCCGGGAAGCGCCGGCTGCCCCCGTGTTTGTTCTCGTGACCCGCGCCGGCGGCCACGT-3'